The following is an entry in ClinVar:

NM_000059.4(BRCA2):c.345_346del (p.Leu117fs)

Gene: BRCA2 (BRCA2 DNA repair associated; plus strand). Cytogenetic location: 13q13.1.
Variant type: Deletion.
Coding change: c.345_346del on transcript NM_000059.4 (MANE Select); coding-DNA positions 345 to 346, 2 bases deleted (AA; older notation c.345_346delAA).
Protein change: p.Leu117fs; shifts the reading frame from leucine 117.
Molecular consequence: frameshift variant.
Genome position (GRCh38, 1-based): chr13:32,325,104-32,325,105, AA deleted; deleting any 2 consecutive bases within chr13:32,325,102-32,325,105 gives the same sequence; the c. name uses the placement nearest the transcript's 3' end. VCF-style (leftmost placement, unchanged base first): chr13-32325101-TAA-T. GRCh37 (hg19) VCF-style: chr13-32899238-TAA-T.
Other names: short protein forms L117fs.
Identifiers: ClinVar variation 1731556 (VCV001731556.2), dbSNP rs2548513999, ClinGen allele CA658761138.

ClinVar aggregate classification (germline): Pathogenic (1 of 4 stars; one submission).

Conditions:
Hereditary cancer-predisposing syndrome. Also called: Neoplastic Syndromes, Hereditary; Tumor predisposition; Hereditary Cancer Syndrome; Hereditary neoplastic syndrome. Identifiers: Orphanet 140162, MedGen C0027672, MeSH D009386, MONDO:0015356.

Submission:

Ambry Genetics
Classification: Pathogenic for Hereditary cancer-predisposing syndrome. Last evaluated: 2019-03-07. Review status: criteria provided, single submitter. Criteria: Ambry Variant Classification Scheme 2023. Collection method: clinical testing. Allele origin: germline.
Comment: The c.345_346delAA pathogenic mutation, located in coding exon 3 of the BRCA2 gene, results from a deletion of two nucleotides at nucleotide positions 345 to 346, causing a translational frameshift with a predicted alternate stop codon (p.L117Sfs*6). This alteration is expected to result in loss of function by premature protein truncation or nonsense-mediated mRNA decay. As such, this alteration is interpreted as a disease-causing mutation.